The following is an entry in ClinVar:

NM_001003841.3(SLC6A19):c.989_990inv (p.Thr330Met)

Gene: SLC6A19 (solute carrier family 6 member 19; plus strand). Cytogenetic location: 5p15.33.
Variant type: Inversion.
Coding change: c.989_990inv on transcript NM_001003841.3 (MANE Select).
Protein change: p.Thr330Met; replaces threonine 330 with methionine.
Molecular consequence: missense variant.
Genome position: GRCh38 VCF-style: chr5-1216659-CA-TG. GRCh37 (hg19) VCF-style: chr5-1216774-CA-TG.
Other names: c.989_990delinsTG (NM_001003841.3); short protein forms T330M.
Identifiers: ClinVar variation 1507562 (VCV001507562.6), ClinGen allele CA2573138396.

ClinVar aggregate classification (germline): Uncertain significance. Review status: criteria provided, multiple submitters, no conflicts (2 of 4 stars). 2 submissions from 2 submitters: Uncertain significance (2). Last evaluated 2024-02-24.

Conditions:
Neutral 1 amino acid transport defect (HND). Also called: Hartnup disease; HARTNUP DISORDER. Identifiers: Orphanet 2116, MedGen C0018609, MONDO:0009324, OMIM 234500.

Submissions (2):

Labcorp Genetics (formerly Invitae), Labcorp
Classification: Uncertain significance. Last evaluated: 2024-02-24. Review status: criteria provided, single submitter. Criteria: Invitae Variant Classification Sherloc (09022015). Collection method: clinical testing. Allele origin: germline.
Comment: This sequence change replaces threonine with methionine at codon 330 of the SLC6A19 protein (p.Thr330Met). The threonine residue is highly conserved and there is a moderate physicochemical difference between threonine and methionine. The frequency data for this variant in the population databases is considered unreliable, as metrics indicate poor data quality at this position in the gnomAD database. This variant has not been reported in the literature in individuals affected with SLC6A19-related conditions. ClinVar contains an entry for this variant (Variation ID: 1507562). An algorithm developed to predict the effect of missense changes on protein structure and function (PolyPhen-2) suggests that this variant is likely to be disruptive. In summary, the available evidence is currently insufficient to determine the role of this variant in disease. Therefore, it has been classified as a Variant of Uncertain Significance.

Fulgent Genetics
Classification: Uncertain significance for Neutral 1 amino acid transport defect. Last evaluated: 2023-12-26. Review status: criteria provided, single submitter. Criteria: ACMG Guidelines, 2015. Collection method: clinical testing. Allele origin: germline.